The following is an entry in ClinVar:

NM_002972.4(SBF1):c.4037G>A (p.Arg1346His)

Gene: SBF1 (SET binding factor 1; minus strand). Cytogenetic location: 22q13.33.
Variant type: single nucleotide variant.
Coding change: c.4037G>A on transcript NM_002972.4 (MANE Select); coding-DNA position 4037, G replaced by A.
Protein change: p.Arg1346His; replaces arginine 1346 with histidine.
Molecular consequence: missense variant.
Genome position (GRCh38, 1-based): chr22:50,456,541, C>T on the plus strand (G>A on the coding strand, the complement: SBF1 is on the minus strand). VCF-style: chr22-50456541-C-T. GRCh37 (hg19) VCF-style: chr22-50894970-C-T.
Other names: p.Arg1346His; c.3962G>A, p.Arg1321His (NM_001365819.1); short protein forms R1321H, R1346H.
Identifiers: ClinVar variation 1305353 (VCV001305353.7), dbSNP rs758581593, ClinGen allele CA10316426.
Genomic context (GRCh38, chr22:50,456,541, plus strand): 5'-ACCCCAGTCACCTTGAGCTGGGCTTTGTCCCCAAGGATATAGAGGGCTGCTCGCTGCGGA[C>T]GCAGGAAGCCCGGGTCGGGAGGGCCCCCGTTGGCCTGGGGTGGGGCCAGCGCGTCTCTGC-3'
Protein context (NP_002963.2, residues 1336-1356): NGGPPDPGFL[Arg1346His]PQRAALYILG

ClinVar aggregate classification (germline): Uncertain significance. Review status: criteria provided, multiple submitters, no conflicts (2 of 4 stars). 5 submissions from 5 submitters: Uncertain significance (5). Last evaluated 2025-07-08.

Conditions:
Charcot-Marie-Tooth disease type 4B3. Also called: Charcot-Marie-Tooth Neuropathy Type 4B3; CHARCOT-MARIE-TOOTH DISEASE, DEMYELINATING, TYPE 4B3. Identifiers: Orphanet 363981, MedGen C3695063, MONDO:0014117, OMIM 615284.

Allele frequency attached by ClinVar (database versions not stated): TOPMed 0.00004; gnomAD 0.00005 and 0.00006.
gnomAD v4.1: 183 of 1,588,818 alleles (0.012%); highest among the groups gnomAD compares: Non-Finnish European, 0.014%; no homozygotes.

Submissions (5):

Women's Health and Genetics/Laboratory Corporation of America, LabCorp
Classification: Uncertain significance. Last evaluated: 2025-07-08. Review status: criteria provided, single submitter. Criteria: LabCorp Variant Classification Summary - May 2015. Collection method: clinical testing. Allele origin: germline.
Comment: Variant summary: SBF1 c.4037G>A (p.Arg1346His) results in a non-conservative amino acid change in the encoded protein sequence. Algorithms developed to predict the effect of missense changes on protein structure and function all suggest that this variant is likely to be disruptive. The variant allele was found at a frequency of 3.8e-05 in 209164 control chromosomes. The available data on variant occurrences in the general population are insufficient to allow any conclusion about variant significance. To our knowledge, no occurrence of c.4037G>A in individuals affected with Charcot-Marie-Tooth disease type 4B3 and no experimental evidence demonstrating its impact on protein function have been reported. ClinVar contains an entry for this variant (Variation ID: 1305353). Based on the evidence outlined above, the variant was classified as uncertain significance.

Mayo Clinic Laboratories, Mayo Clinic
Classification: Uncertain significance. Last evaluated: 2023-10-16. Review status: criteria provided, single submitter. Criteria: ACMG Guidelines, 2015. Collection method: clinical testing. Allele origin: germline. Observed: 1 variant allele.
Comment: PM2_moderate

Labcorp Genetics (formerly Invitae), Labcorp
Classification: Uncertain significance. Last evaluated: 2021-11-26. Review status: criteria provided, single submitter. Criteria: Invitae Variant Classification Sherloc (09022015). Collection method: clinical testing. Allele origin: germline.
Comment: This sequence change replaces arginine, which is basic and polar, with histidine, which is basic and polar, at codon 1346 of the SBF1 protein (p.Arg1346His). The frequency data for this variant in the population databases is considered unreliable, as metrics indicate poor data quality at this position in the gnomAD database. This variant has not been reported in the literature in individuals affected with SBF1-related conditions. ClinVar contains an entry for this variant (Variation ID: 1305353). Algorithms developed to predict the effect of missense changes on protein structure and function are either unavailable or do not agree on the potential impact of this missense change (SIFT: "Tolerated"; PolyPhen-2: "Possibly Damaging"; Align-GVGD: "Class C0"). In summary, the available evidence is currently insufficient to determine the role of this variant in disease. Therefore, it has been classified as a Variant of Uncertain Significance.

Fulgent Genetics
Classification: Uncertain significance for Charcot-Marie-Tooth disease type 4B3. Last evaluated: 2021-09-20. Review status: criteria provided, single submitter. Criteria: ACMG Guidelines, 2015. Collection method: clinical testing. Allele origin: unknown.

GeneDx
Classification: Uncertain significance. Last evaluated: 2019-04-19. Review status: criteria provided, single submitter. Criteria: GeneDx Variant Classification Process June 2021. Collection method: clinical testing. Allele origin: germline. Affected: yes.
Comment: Not observed at a significant frequency in large population cohorts (Lek et al., 2016); In silico analysis, which includes protein predictors and evolutionary conservation, supports that this variant does not alter protein structure/function; Has not been previously published as pathogenic or benign to our knowledge